The following is an entry in ClinVar:

ClinVar aggregate classification (germline): Pathogenic (1 of 4 stars; one submission).

Submission:

Illumina Laboratory Services, Illumina
Classification: Pathogenic. Last evaluated: 2023-03-10. Review status: criteria provided, single submitter. Criteria: ICSL CNVClassificationCriteria Aug2020. Collection method: clinical testing. Allele origin: unknown.
Comment: This CNV is a 1.4 Mb deletion of 17q11.2 on chromosome 17 (seq[GRCh37]del(17)(q11.2); chr17:g.29000371_30367382del), which is found in a de novo state. This CNV constitutes a deletion encompassing 14 protein-coding genes, including NF1, and overlaps the well-described NF1 microdeletion syndrome, a severe manifestation of neurofibromatosis type 1 (NF1). Four types of large NF1 deletions (type-1, -2, -3 and atypical) have been identified. These are distinguishable by their size, breakpoint location, and the number of genes within the deleted region. The most common are the type-1 deletions which are usually around 1.4 Mb. This CNV has not been reported in controls. Based on the available evidence, this CNV is classified as pathogenic.

Single allele

Genes: ADAP2 (ArfGAP with dual PH domains 2; plus strand), ATAD5 (ATPase family AAA domain containing 5; plus strand), COPRS (coordinator of PRMT5 and differentiation stimulator; minus strand), CRLF3 (cytokine receptor like factor 3; minus strand), EVI2A (ecotropic viral integration site 2A; minus strand) and 10 more. Cytogenetic location: 17q11.2.
Variant type: Deletion.
Identifiers: ClinVar variation 2671621 (VCV002671621.1).